The following is an entry in ClinVar:

NM_005529.7(HSPG2):c.9443G>C (p.Arg3148Pro)

Gene: HSPG2 (heparan sulfate proteoglycan 2; minus strand). Cytogenetic location: 1p36.12.
Variant type: single nucleotide variant.
Coding change: c.9443G>C on transcript NM_005529.7 (MANE Select); coding-DNA position 9443, G replaced by C.
Protein change: p.Arg3148Pro; replaces arginine 3148 with proline.
Molecular consequence: missense variant.
Genome position (GRCh38, 1-based): chr1:21,841,171, C>G on the plus strand (G>C on the coding strand, the complement: HSPG2 is on the minus strand). VCF-style: chr1-21841171-C-G. GRCh37 (hg19) VCF-style: chr1-22167664-C-G.
Other names: c.9443G>C (NM_005529.5); c.9446G>C, p.Arg3149Pro (NM_001291860.2); short protein forms R3148P, R3149P.
Identifiers: ClinVar variation 2075123 (VCV002075123.5), dbSNP rs778316157, ClinGen allele CA338914117.

ClinVar aggregate classification (germline): Uncertain significance. Review status: criteria provided, multiple submitters, no conflicts (2 of 4 stars). 2 submissions from 2 submitters: Uncertain significance (2). Last evaluated 2025-04-25.

Conditions:
Inborn genetic diseases. Identifiers: MedGen C0950123, MeSH D030342.

gnomAD v4.1: 10 of 1,613,784 alleles (0.00062%); highest among the groups gnomAD compares: Non-Finnish European, 0.00085%; no homozygotes.

Submissions (2):

Ambry Genetics
Classification: Uncertain significance for Inborn genetic diseases. Last evaluated: 2025-04-25. Review status: criteria provided, single submitter. Criteria: Ambry Variant Classification Scheme 2023. Collection method: clinical testing. Allele origin: germline.

Labcorp Genetics (formerly Invitae), Labcorp
Classification: Uncertain significance. Last evaluated: 2023-08-10. Review status: criteria provided, single submitter. Criteria: Invitae Variant Classification Sherloc (09022015). Collection method: clinical testing. Allele origin: germline.
Comment: This sequence change replaces arginine, which is basic and polar, with proline, which is neutral and non-polar, at codon 3148 of the HSPG2 protein (p.Arg3148Pro). This variant is not present in population databases (gnomAD no frequency). This variant has not been reported in the literature in individuals affected with HSPG2-related conditions. ClinVar contains an entry for this variant (Variation ID: 2075123). An algorithm developed to predict the effect of missense changes on protein structure and function (PolyPhen-2) suggests that this variant is likely to be disruptive. In summary, the available evidence is currently insufficient to determine the role of this variant in disease. Therefore, it has been classified as a Variant of Uncertain Significance.